The following is an entry in ClinVar:

NM_001369.3(DNAH5):c.6970A>G (p.Thr2324Ala)

Gene: DNAH5 (dynein axonemal heavy chain 5; minus strand). Cytogenetic location: 5p15.2.
Variant type: single nucleotide variant.
Coding change: c.6970A>G on transcript NM_001369.3 (MANE Select); coding-DNA position 6970, A replaced by G.
Protein change: p.Thr2324Ala; replaces threonine 2324 with alanine.
Molecular consequence: missense variant.
Genome position (GRCh38, 1-based): chr5:13,817,566, T>C on the plus strand (A>G on the coding strand, the complement: DNAH5 is on the minus strand). VCF-style: chr5-13817566-T-C. GRCh37 (hg19) VCF-style: chr5-13817675-T-C.
Other names: short protein forms T2324A.
Identifiers: ClinVar variation 454800 (VCV000454800.30), dbSNP rs143074036, ClinGen allele CA3203227.

ClinVar aggregate classification (germline): Conflicting classifications of pathogenicity. Review status: criteria provided, conflicting classifications (1 of 4 stars). 9 submissions from 9 submitters: Uncertain significance (6); Likely benign (1). 2 of the submissions do not count toward it. Last evaluated 2026-01-17.

Conditions:
DNAH5-related disorder. Also called: DNAH5-related condition.
Primary ciliary dyskinesia. Also called: Ciliary dyskinesia. Identifiers: Orphanet 244, MedGen C0008780, MONDO:0016575, HP:0012265.
Primary ciliary dyskinesia 3. Identifiers: Orphanet 244, MedGen C1837618, MONDO:0012085, OMIM 608644.

Allele frequency attached by ClinVar (database versions not stated): gnomAD exomes 0.00006 and 0.00007; TOPMed 0.00007; ExAC 0.00008; gnomAD 0.00009; 1000 Genomes Project 0.00020; ESP Exome Variant Server 0.00023; 1000 Genomes Project 30x 0.00031.
gnomAD v4.1: 117 of 1,614,166 alleles (0.0072%); highest among the groups gnomAD compares: Non-Finnish European, 0.0093%; no homozygotes.

Submissions (9):

Labcorp Genetics (formerly Invitae), Labcorp
Classification: Likely benign for Primary ciliary dyskinesia. Last evaluated: 2026-01-17. Review status: criteria provided, single submitter. Criteria: Invitae Variant Classification Sherloc (09022015). Collection method: clinical testing. Allele origin: germline.

CeGaT Center for Human Genetics Tuebingen
Classification: Uncertain significance. Last evaluated: 2025-06-01. Review status: criteria provided, single submitter. Criteria: CeGaT Center For Human Genetics Tuebingen Variant Classification Criteria Version 2. Collection method: clinical testing. Allele origin: germline. Affected: yes. Observed: 1 variant allele.
Comment: DNAH5: PM2

Blueprint Genetics
Classification: Uncertain significance. Last evaluated: 2024-09-12. Review status: criteria provided, single submitter. Criteria: ACMG Guidelines, 2015. Collection method: clinical testing. Allele origin: germline.

Ambry Genetics
Classification: Uncertain significance for Primary ciliary dyskinesia. Last evaluated: 2022-01-13. Review status: criteria provided, single submitter. Criteria: Ambry Variant Classification Scheme 2023. Collection method: clinical testing. Allele origin: germline.
Comment: The p.T2324A variant (also known as c.6970A>G), located in coding exon 42 of the DNAH5 gene, results from an A to G substitution at nucleotide position 6970. The threonine at codon 2324 is replaced by alanine, an amino acid with similar properties. This amino acid position is highly conserved in available vertebrate species. In addition, this alteration is predicted to be tolerated by in silico analysis. Since supporting evidence is limited at this time, the clinical significance of this alteration remains unclear.

Fulgent Genetics
Classification: Uncertain significance for Primary ciliary dyskinesia 3. Last evaluated: 2021-11-02. Review status: criteria provided, single submitter. Criteria: ACMG Guidelines, 2015. Collection method: clinical testing. Allele origin: unknown.

UNC Molecular Genetics  Laboratory, University of North Carolina at Chapel Hill
Classification: Uncertain significance for Primary ciliary dyskinesia. Last evaluated: 2019-03-13. Review status: criteria provided, single submitter. Criteria: ACMG Guidelines, 2015. Collection method: clinical testing. Allele origin: germline. Observed: 1 compound heterozygote.

Illumina Laboratory Services, Illumina
Classification: Uncertain significance for Primary ciliary dyskinesia 3. Last evaluated: 2018-02-09. Review status: criteria provided, single submitter. Criteria: ICSL Variant Classification Criteria 13 December 2019. Collection method: clinical testing. Allele origin: germline.

PreventionGenetics, part of Exact Sciences
Classification: Uncertain significance for DNAH5-related condition. Last evaluated: 2024-05-09. Review status: no assertion criteria provided. Collection method: clinical testing. Allele origin: germline. Not counted in ClinVar's aggregate classification.
Comment: The DNAH5 c.6970A>G variant is predicted to result in the amino acid substitution p.Thr2324Ala. This variant has been reported in the heterozygous state in an individual with primary ciliary dyskinesia (Table E2, Similuk et al. 2022. PubMed ID: 35753512). That individual was also heterozygous for the c.8440_8447del and c.2504T>A (p.Met835Lys) variants; however, the phase was not specified. This variant is reported in 0.013% of alleles in individuals of European (Non-Finnish) descent in gnomAD. At this time, the clinical significance of this variant is uncertain due to the absence of conclusive functional and genetic evidence.

Natera, Inc.
Classification: Uncertain significance for Primary ciliary dyskinesia. Last evaluated: 2019-10-28. Review status: no assertion criteria provided. Collection method: clinical testing. Allele origin: germline. Not counted in ClinVar's aggregate classification.